The following is an entry in ClinVar:

NM_001267550.2(TTN):c.11912G>A (p.Trp3971Ter)

Gene: TTN (titin; minus strand). Cytogenetic location: 2q31.2.
Variant type: single nucleotide variant.
Coding change: c.11912G>A on transcript NM_001267550.2 (MANE Select); coding-DNA position 11912, G replaced by A.
Protein change: p.Trp3971Ter; replaces tryptophan 3971 with a stop codon.
Molecular consequence: nonsense. On other transcripts: intron variant (1).
Genome position (GRCh38, 1-based): chr2:178,741,321, C>T on the plus strand (G>A on the coding strand, the complement: TTN is on the minus strand). VCF-style: chr2-178741321-C-T. GRCh37 (hg19) VCF-style: chr2-179606048-C-T.
Other names: c.11912G>A (LRG_391t1); c.10961G>A, p.Trp3654Ter (NM_001256850.1); c.10823G>A, p.Trp3608Ter (NM_003319.4); c.11198G>A, p.Trp3733Ter (NM_133432.3); c.11399G>A, p.Trp3800Ter (NM_133437.4); c.10361-2961G>A (NM_133378.4); short protein forms W3971*, W3800*, W3608*, W3733*, W3654*.
Identifiers: ClinVar variation 223364 (VCV000223364.9), dbSNP rs869312102, ClinGen allele CA353384.

ClinVar aggregate classification (germline): Likely pathogenic. Review status: criteria provided, multiple submitters, no conflicts (2 of 4 stars). 2 submissions from 2 submitters: Likely pathogenic (2). Last evaluated 2025-12-14.

Conditions:
Dilated cardiomyopathy 1G (CMD1G). Identifiers: Orphanet 154, MedGen C1858763, MONDO:0011400, OMIM 604145.
Autosomal recessive limb-girdle muscular dystrophy type 2J (LGMDR10). Also called: Limb-girdle muscular dystrophy, type 2J; MUSCULAR DYSTROPHY, LIMB-GIRDLE, AUTOSOMAL RECESSIVE 10. Identifiers: Orphanet 140922, MedGen C1837342, MONDO:0012127, OMIM 608807.
Primary dilated cardiomyopathy (DCM). Also called: Dilated Cardiomyopathy. Identifiers: Orphanet 217604, MedGen C0007193, MeSH D002311, MONDO:0005021, HP:0001644. Inheritance: Various modes of inheritance.

Allele frequency attached by ClinVar (database versions not stated): TOPMed below 0.00001.

Submissions (2):

Labcorp Genetics (formerly Invitae), Labcorp
Classification: Likely pathogenic for Dilated cardiomyopathy 1G; Autosomal recessive limb-girdle muscular dystrophy type 2J. Last evaluated: 2025-12-14. Review status: criteria provided, single submitter. Criteria: Invitae Variant Classification Sherloc (09022015). Collection method: clinical testing. Allele origin: germline.
Comment: This sequence change creates a premature translational stop signal (p.Trp3971*) in the TTN gene. While this is not anticipated to result in nonsense mediated decay, it is expected to create a truncated TTN protein. This variant is not present in population databases (gnomAD no frequency). This variant has not been observed in the literature in individuals with autosomal recessive TTN-related conditions. This variant has been reported in individual(s) with dilated cardiomyopathy (PMID: 25589632); however, the role of the variant in this condition is currently unclear. ClinVar contains an entry for this variant (Variation ID: 223364). This variant is located in the I band of TTN (PMID: 25589632). Truncating variants in this region have been reported in individuals affected with autosomal recessive centronuclear myopathy (PMID: 23975875, internal data). Truncating variants in this region have also been identified in individuals affected with autosomal dominant dilated cardiomyopathy and/or cardio-related conditions (PMID: 27869827, 32964742, internal data). In summary, the currently available evidence indicates that the variant is pathogenic, but additional data are needed to prove that conclusively. Therefore, this variant has been classified as Likely Pathogenic.

Cardiovascular Biomedical Research Unit, Royal Brompton & Harefield NHS Foundation Trust
Classification: Likely pathogenic for Primary dilated cardiomyopathy. Last evaluated: 2014-10-08. Review status: criteria provided, single submitter. Criteria: Roberts et al. 2015. Collection method: research. Allele origin: germline. Inheritance: Autosomal dominant inheritance. Affected: yes. Observed: 1 variant allele. Study: Familial DCM.
Comment: In the seven cohorts assessed, TTNtv were found in 14% of ambulant DCM, 22% end-stage or familial DCM, and 2% controls. Heterozygous nonsense, frameshift and canonical splice-disrupting variants found in constitutive and other highly utilised exons are highly likely to be pathogenic when identified in individuals with phenotypically confirmed DCM. TTNtv found incidentally in healthy individuals (excluding familial assessment of DCM relatives) are thought to have low penetrance, particularly when identified in exons that are not constitutively expressed in the heart.

Literature cited by the submitters: PubMed 25589632 (cited by Labcorp Genetics (formerly Invitae), Labcorp); PubMed 23975875 (cited by Labcorp Genetics (formerly Invitae), Labcorp); PubMed 27869827 (cited by Labcorp Genetics (formerly Invitae), Labcorp); PubMed 32964742 (cited by Labcorp Genetics (formerly Invitae), Labcorp).